The following is an entry in ClinVar:

NM_138713.4(NFAT5):c.3637A>G (p.Met1213Val)

Gene: NFAT5 (nuclear factor of activated T cells 5; plus strand). Cytogenetic location: 16q22.1.
Variant type: single nucleotide variant.
Coding change: c.3637A>G on transcript NM_138713.4 (MANE Select); coding-DNA position 3637, A replaced by G.
Protein change: p.Met1213Val; replaces methionine 1213 with valine.
Molecular consequence: missense variant.
Genome position (GRCh38, 1-based): chr16:69,693,462, A>G. VCF-style: chr16-69693462-A-G. GRCh37 (hg19) VCF-style: chr16-69727365-A-G.
Other names: c.3634A>G, p.Met1212Val (NM_001113178.3); c.2962A>G, p.Met988Val (NM_001367709.1); c.3583A>G, p.Met1195Val (NM_006599.4); c.3355A>G, p.Met1119Val (NM_138714.4, NM_173214.3, NM_173215.3); short protein forms M1119V, M1195V, M1212V, M1213V, M988V.
Identifiers: ClinVar variation 4753748 (VCV004753748.1).

ClinVar aggregate classification (germline): Uncertain significance (1 of 4 stars; one submission).

Conditions:
Immunodeficiency. Identifiers: MedGen C0021051, MONDO:0021094, HP:0002721.

Submission:

Labcorp Genetics (formerly Invitae), Labcorp
Classification: Uncertain significance for Immunodeficiency. Last evaluated: 2025-12-31. Review status: criteria provided, single submitter. Criteria: Invitae Variant Classification Sherloc (09022015). Collection method: clinical testing. Allele origin: germline.
Comment: This sequence change replaces methionine, which is neutral and non-polar, with valine, which is neutral and non-polar, at codon 1119 of the NFAT5 protein (p.Met1119Val). This variant is present in population databases (no rsID available, gnomAD 0.003%). This variant has not been reported in the literature in individuals affected with NFAT5-related conditions. An algorithm developed to predict the effect of missense changes on protein structure and function (PolyPhen-2) suggests that this variant is likely to be tolerated. In summary, the available evidence is currently insufficient to determine the role of this variant in disease. Therefore, it has been classified as a Variant of Uncertain Significance.